The following is an entry in ClinVar:

NM_152564.5(VPS13B):c.4950-1G>C

Gene: VPS13B (vacuolar protein sorting 13 homolog B; plus strand). Cytogenetic location: 8q22.2.
Variant type: single nucleotide variant.
Coding change: c.4950-1G>C on transcript NM_152564.5 (MANE Select); the canonical splice acceptor site of the intron before coding-DNA position 4950, G replaced by C.
Molecular consequence: splice acceptor variant.
Genome position (GRCh38, 1-based): chr8:99,575,657, G>C. VCF-style: chr8-99575657-G-C. GRCh37 (hg19) VCF-style: chr8-100587885-G-C.
Other names: c.5025-1G>C (NM_017890.5).
Identifiers: ClinVar variation 550757 (VCV000550757.7), dbSNP rs1554852945, ClinGen allele CA371873411.

ClinVar aggregate classification (germline): Likely pathogenic. Review status: criteria provided, single submitter (1 of 4 stars). 2 submissions from 2 submitters: Likely pathogenic (1). 1 of the submissions does not count toward it. Last evaluated 2022-09-09.

Conditions:
Cohen syndrome (COH1). Also called: Cutis verticis gyrata, retinitis pigmentosa, and sensorineural deafness; PEPPER SYNDROME. Identifiers: Orphanet 193, MedGen C0265223, MONDO:0008999, OMIM 216550.

Submissions (2):

Labcorp Genetics (formerly Invitae), Labcorp
Classification: Likely pathogenic for Cohen syndrome. Last evaluated: 2022-09-09. Review status: criteria provided, single submitter. Criteria: Invitae Variant Classification Sherloc (09022015). Collection method: clinical testing. Allele origin: germline.
Comment: This sequence change affects an acceptor splice site in intron 31 of the VPS13B gene. It is expected to disrupt RNA splicing. Variants that disrupt the donor or acceptor splice site typically lead to a loss of protein function (PMID: 16199547), and loss-of-function variants in VPS13B are known to be pathogenic (PMID: 15141358, 16648375, 20461111). This variant is not present in population databases (gnomAD no frequency). This variant has not been reported in the literature in individuals affected with VPS13B-related conditions. ClinVar contains an entry for this variant (Variation ID: 550757). Algorithms developed to predict the effect of sequence changes on RNA splicing suggest that this variant may disrupt the consensus splice site. In summary, the currently available evidence indicates that the variant is pathogenic, but additional data are needed to prove that conclusively. Therefore, this variant has been classified as Likely Pathogenic.

Counsyl
Classification: Likely pathogenic for Cohen syndrome. Last evaluated: 2017-02-10. Review status: no assertion criteria provided. Collection method: clinical testing. Allele origin: unknown. Not counted in ClinVar's aggregate classification.

Literature cited by the submitters: PubMed 16199547 (cited by Labcorp Genetics (formerly Invitae), Labcorp); PubMed 15141358 (cited by Labcorp Genetics (formerly Invitae), Labcorp); PubMed 16648375 (cited by Labcorp Genetics (formerly Invitae), Labcorp); PubMed 20461111 (cited by Labcorp Genetics (formerly Invitae), Labcorp).